The following is an entry in ClinVar:

ClinVar aggregate classification (germline): Uncertain significance (1 of 4 stars; one submission).

Conditions:
Dyskeratosis congenita, autosomal dominant 2. Identifiers: MedGen C3151443, MONDO:0013521, OMIM 613989.
Idiopathic Pulmonary Fibrosis. Also called: Idiopathic fibrosing alveolitis, chronic form; idiopathic fibrosing alveolitis. Identifiers: Orphanet 2032, MedGen C1800706, MeSH D054990, MONDO:0800504.

Submission:

Labcorp Genetics (formerly Invitae), Labcorp
Classification: Uncertain significance for Dyskeratosis congenita, autosomal dominant 2; Idiopathic Pulmonary Fibrosis. Last evaluated: 2022-08-05. Review status: criteria provided, single submitter. Criteria: Invitae Variant Classification Sherloc (09022015). Collection method: clinical testing. Allele origin: germline.
Comment: In summary, the available evidence is currently insufficient to determine the role of this variant in disease. Therefore, it has been classified as a Variant of Uncertain Significance. Algorithms developed to predict the effect of sequence changes on RNA splicing suggest that this variant may create or strengthen a splice site. Advanced modeling of protein sequence and biophysical properties (such as structural, functional, and spatial information, amino acid conservation, physicochemical variation, residue mobility, and thermodynamic stability) performed at Invitae indicates that this missense variant is expected to disrupt TERT protein function. This variant has not been reported in the literature in individuals affected with TERT-related conditions. This variant is not present in population databases (gnomAD no frequency). This sequence change replaces leucine, which is neutral and non-polar, with valine, which is neutral and non-polar, at codon 1082 of the TERT protein (p.Leu1082Val).

NM_198253.3(TERT):c.3244C>G (p.Leu1082Val)

Gene: TERT (telomerase reverse transcriptase; minus strand). Cytogenetic location: 5p15.33.
Variant type: single nucleotide variant.
Coding change: c.3244C>G on transcript NM_198253.3 (MANE Select); coding-DNA position 3244, C replaced by G.
Protein change: p.Leu1082Val; replaces leucine 1082 with valine.
Molecular consequence: missense variant. On other transcripts: non-coding transcript variant (2).
Genome position (GRCh38, 1-based): chr5:1,254,419, G>C on the plus strand (C>G on the coding strand, the complement: TERT is on the minus strand). VCF-style: chr5-1254419-G-C. GRCh37 (hg19) VCF-style: chr5-1254534-G-C.
Other names: c.3055C>G, p.Leu1019Val (NM_001193376.3); c.3244C>G, p.Leu1082Val (NM_003219.1); short protein forms L1019V, L1082V.
Identifiers: ClinVar variation 2064536 (VCV002064536.4), dbSNP rs2478073777, ClinGen allele CA359067253.
Genomic context (GRCh38, chr5:1,254,419, plus strand): 5'-CACACTTGCCTGTCCTGAGTGACCCCAGGAGTGGCACGTAGGTGACACGGTGTCGAGTCA[G>C]CTTGAGCAGGAATGCTTGGTGGCACAGCCACTGCACGGCCTCGGAGGGCAGAGGGCCGGC-3'
Protein context (NP_937983.2, residues 1072-1092): WLCHQAFLLK[Leu1082Val]TRHRVTYVPL